The following is an entry in ClinVar:

ClinVar aggregate classification (germline): Uncertain significance (1 of 4 stars; one submission).

Conditions:
Cardiomyopathy (CMYO). Also called: Cardiomyopathies. Identifiers: Orphanet 167848, MedGen C0878544, MONDO:0004994, HP:0001638. Inheritance: Various modes of inheritance.

Allele frequency attached by ClinVar (database versions not stated): gnomAD exomes below 0.00001.
gnomAD v4.1: 1 of 1,613,098 alleles (0.000062%); highest among the groups gnomAD compares: South Asian, 0.0011%; no homozygotes.

Submission:

Color Diagnostics, LLC DBA Color Health
Classification: Uncertain significance for Cardiomyopathy. Last evaluated: 2024-03-06. Review status: criteria provided, single submitter. Criteria: ACMG Guidelines, 2015. Collection method: clinical testing. Allele origin: germline.
Comment: This missense variant replaces glycine with serine at codon 439 of the MYBPC3 protein. Computational prediction tool suggests that this variant may not impact protein structure and function (internally defined REVEL score threshold <=0.5, PMID: 27666373). Splice site prediction tools suggest that this variant may impact RNA splicing by activating a new splice donor site. To our knowledge, functional studies have not been performed for this variant. This variant has not been reported in individuals affected with cardiovascular disorders in the literature. This variant has not been identified in the general population by the Genome Aggregation Database (gnomAD). The available evidence is insufficient to determine the role of this variant in disease conclusively. Therefore, this variant is classified as a Variant of Uncertain Significance.

NM_000256.3(MYBPC3):c.1315G>A (p.Gly439Ser)

Gene: MYBPC3 (myosin binding protein C3; minus strand). Cytogenetic location: 11p11.2.
Variant type: single nucleotide variant.
Coding change: c.1315G>A on transcript NM_000256.3 (MANE Select); coding-DNA position 1315, G replaced by A.
Protein change: p.Gly439Ser; replaces glycine 439 with serine.
Molecular consequence: missense variant.
Genome position (GRCh38, 1-based): chr11:47,343,057, C>T on the plus strand (G>A on the coding strand, the complement: MYBPC3 is on the minus strand). VCF-style: chr11-47343057-C-T. GRCh37 (hg19) VCF-style: chr11-47364608-C-T.
Other names: short protein forms G439S.
Identifiers: ClinVar variation 922866 (VCV000922866.4), dbSNP rs2095890672, ClinGen allele CA380327024.